The following is an entry in ClinVar:

ClinVar aggregate classification (germline): Pathogenic (1 of 4 stars; one submission).

Submission:

Labcorp Genetics (formerly Invitae), Labcorp
Classification: Pathogenic. Last evaluated: 2023-04-09. Review status: criteria provided, single submitter. Criteria: Invitae Variant Classification Sherloc (09022015). Collection method: clinical testing. Allele origin: unknown.
Comment: For these reasons, this variant has been classified as Pathogenic. This variant disrupts a region of the EYS protein in which other variant(s) (p.Gly2186Glu) have been determined to be pathogenic (PMID: 20237254, 20537394, 25356976, 27375351, 29625443, 29785639). This suggests that this is a clinically significant region of the protein, and that variants that disrupt it are likely to be disease-causing. This variant has not been reported in the literature in individuals affected with EYS-related conditions. This variant is a gross deletion of the genomic region encompassing exon(s) 32-36 of the EYS gene. This variant would be expected to be in-frame, preserving the integrity of the reading frame.

Literature cited by the submitters: PubMed 20237254; PubMed 20537394; PubMed 25356976; PubMed 27375351; PubMed 29625443; PubMed 29785639.

NC_000006.11:g.(?_64574059)_(64791915_?)del

Gene: EYS (eyes shut homolog; minus strand). Cytogenetic location: 6q12.
Variant type: Deletion.
Identifiers: ClinVar variation 3246119 (VCV003246119.1).